The following is an entry in ClinVar:

NM_001395498.1(TIMM17B):c.479C>A (p.Thr160Asn)

Gene: TIMM17B (translocase of inner mitochondrial membrane 17B; minus strand). Cytogenetic location: Xp11.23.
Variant type: single nucleotide variant.
Coding change: c.479C>A on transcript NM_001395498.1 (MANE Select); coding-DNA position 479, C replaced by A.
Protein change: p.Thr160Asn; replaces threonine 160 with asparagine.
Molecular consequence: missense variant.
Genome position (GRCh38, 1-based): chrX:48,893,769, G>T on the plus strand (C>A on the coding strand, the complement: TIMM17B is on the minus strand). VCF-style: chrX-48893769-G-T. GRCh37 (hg19) VCF-style: chrX-48751052-G-T.
Other names: c.629C>A, p.Thr210Asn (NM_001167947.2, NM_001395497.1); c.479C>A, p.Thr160Asn (NM_005834.5); short protein forms T160N, T210N.
Identifiers: ClinVar variation 2660480 (VCV002660480.24), dbSNP rs782624478, ClinGen allele CA10405677.

ClinVar aggregate classification (germline): Likely benign (1 of 4 stars; one submission).

Allele frequency attached by ClinVar (database versions not stated): gnomAD 0.00028; ExAC 0.00084; 1000 Genomes Project 30x 0.00146; 1000 Genomes Project 0.00185.
gnomAD v4.1: 617 of 1,167,910 alleles (0.053%); highest among the groups gnomAD compares: South Asian, 0.93%; 4 homozygotes.

Submission:

CeGaT Center for Human Genetics Tuebingen
Classification: Likely benign. Last evaluated: 2023-03-01. Review status: criteria provided, single submitter. Criteria: CeGaT Center For Human Genetics Tuebingen Variant Classification Criteria Version 2. Collection method: clinical testing. Allele origin: germline. Affected: yes. Observed: 1 variant allele.
Comment: TIMM17B: BP4, BS2